The following is an entry in ClinVar:

NM_001754.5(RUNX1):c.844G>A (p.Asp282Asn)

Gene: RUNX1 (RUNX family transcription factor 1; minus strand). Cytogenetic location: 21q22.12.
Variant type: single nucleotide variant.
Coding change: c.844G>A on transcript NM_001754.5 (MANE Select); coding-DNA position 844, G replaced by A.
Protein change: p.Asp282Asn; replaces aspartic acid 282 with asparagine.
Molecular consequence: missense variant.
Genome position (GRCh38, 1-based): chr21:34,799,424, C>T on the plus strand (G>A on the coding strand, the complement: RUNX1 is on the minus strand). VCF-style: chr21-34799424-C-T. GRCh37 (hg19) VCF-style: chr21-36171721-C-T.
Other names: NM_001754.5(RUNX1):c.844G>A; p.Asp282Asn; c.763G>A, p.Asp255Asn (NM_001001890.3); short protein forms D282N, D255N.
Identifiers: ClinVar variation 858173 (VCV000858173.13), dbSNP rs762953695, ClinGen allele CA10014282.
Genomic context (GRCh38, chr21:34,799,424, plus strand): 5'-TGGGCGTTGCTGGGTGCACAGAAGGAGAGGCAATGGATCCCAGGTATTGGTAGGACTGAT[C>T]GTAGGACCACGGTGGGGATGGTTGGATCTGCCTTGTATCTGAAGAGAATCAGAAAGGTCA-3'
Protein context (NP_001745.2, residues 272-292): QIQPSPPWSY[Asp282Asn]QSYQYLGSIA

ClinVar aggregate classification (germline): Uncertain significance. Review status: reviewed by expert panel (3 of 4 stars). 5 submissions from 5 submitters: Uncertain significance (1). 4 of the submissions do not count toward it. Last evaluated 2024-09-25.

Conditions:
Hereditary thrombocytopenia and hematologic cancer predisposition syndrome. Identifiers: Orphanet 71290, MedGen CN281654, MONDO:0011071.
Inborn genetic diseases. Identifiers: MedGen C0950123, MeSH D030342.
Hereditary thrombocytopenia and hematological cancer predisposition syndrome associated with RUNX1. Also called: Familial Platelet Disorder with Propensity to Acute Myelogenous Leukemia; Familial thrombocytopenia with propensity to acute myelogenous leukemia; PLATELET DISORDER, ASPIRIN-LIKE; RUNX1 Familial Platelet Disorder with Associated Myeloid Malignancies. Identifiers: Orphanet 71290, MedGen C1832388, MeSH C563324, MONDO:0100083, OMIM 601399.
RUNX1-related disorder. Also called: RUNX1-related condition.

Allele frequency attached by ClinVar (database versions not stated): gnomAD exomes below 0.00001; ExAC 0.00001.
gnomAD v4.1: 6 of 1,614,098 alleles (0.00037%); highest among the groups gnomAD compares: South Asian, 0.0044%; no homozygotes.

Submissions (5):

ClinGen Myeloid Malignancy Variant Curation Expert Panel
Classification: Uncertain significance for Hereditary thrombocytopenia and hematologic cancer predisposition syndrome. Last evaluated: 2024-09-25. Review status: reviewed by expert panel. Criteria: ClinGen MyeloMalig ACMG Specifications v2. Collection method: curation. Allele origin: germline. Inheritance: Autosomal dominant inheritance.
Comment: NM_001754.5(RUNX1):c.844G>A (p.Asp282Asn) is a missense variant. This missense variant has a REVEL score <0.50 (0.329) (BP4). In summary, the clinical significance of this variant is uncertain. ACMG/AMP criteria applied, as specified by the Myeloid Malignancy Variant Curation Expert Panel for RUNX1: BP4.

GeneDx
Classification: Uncertain significance. Last evaluated: 2026-02-25. Review status: criteria provided, single submitter. Criteria: GeneDx Variant Classification Process June 2021. Collection method: clinical testing. Allele origin: germline. Not counted in ClinVar's aggregate classification.
Comment: Not observed at significant frequency in large population cohorts (gnomAD); In silico analysis supports that this missense variant has a deleterious effect on protein structure/function; Has not been previously published as pathogenic or benign to our knowledge

PreventionGenetics, part of Exact Sciences
Classification: Uncertain significance for RUNX1-related condition. Last evaluated: 2025-02-20. Review status: criteria provided, single submitter. Criteria: ACMG Guidelines, 2015. Collection method: clinical testing. Allele origin: germline. Not counted in ClinVar's aggregate classification.
Comment: The RUNX1 c.844G>A variant is predicted to result in the amino acid substitution p.Asp282Asn. To our knowledge, this variant has not been reported in the literature. This variant is reported in 0.0033% of alleles in individuals of South Asian descent in gnomAD. At this time, the clinical significance of this variant is uncertain due to the absence of conclusive functional and genetic evidence.

Ambry Genetics
Classification: Uncertain significance for Inborn genetic diseases. Last evaluated: 2024-11-24. Review status: criteria provided, single submitter. Criteria: Ambry Variant Classification Scheme 2023. Collection method: clinical testing. Allele origin: germline. Not counted in ClinVar's aggregate classification.
Comment: The p.D282N variant (also known as c.844G>A), located in coding exon 7 of the RUNX1 gene, results from a G to A substitution at nucleotide position 844. The aspartic acid at codon 282 is replaced by asparagine, an amino acid with highly similar properties. This amino acid position is conserved. In addition, this alteration is predicted to be tolerated by in silico analysis. Based on the available evidence, the clinical significance of this variant remains unclear.

Labcorp Genetics (formerly Invitae), Labcorp
Classification: Uncertain significance for Hereditary thrombocytopenia and hematological cancer predisposition syndrome associated with RUNX1. Last evaluated: 2021-12-13. Review status: criteria provided, single submitter. Criteria: Invitae Variant Classification Sherloc (09022015). Collection method: clinical testing. Allele origin: germline. Not counted in ClinVar's aggregate classification.
Comment: In summary, the available evidence is currently insufficient to determine the role of this variant in disease. Therefore, it has been classified as a Variant of Uncertain Significance. Algorithms developed to predict the effect of missense changes on protein structure and function are either unavailable or do not agree on the potential impact of this missense change (SIFT: "Tolerated"; PolyPhen-2: "Possibly Damaging"; Align-GVGD: "Class C0"). ClinVar contains an entry for this variant (Variation ID: 858173). This variant has not been reported in the literature in individuals affected with RUNX1-related conditions. This variant is present in population databases (rs762953695, gnomAD 0.003%). This sequence change replaces aspartic acid, which is acidic and polar, with asparagine, which is neutral and polar, at codon 282 of the RUNX1 protein (p.Asp282Asn).